The following is an entry in ClinVar:

ClinVar aggregate classification (germline): Pathogenic/Likely pathogenic. Review status: criteria provided, multiple submitters, no conflicts (2 of 4 stars). 4 submissions from 4 submitters: Pathogenic (2); Likely pathogenic (2). Last evaluated 2024-11-14.

Conditions:
VPS13A-related disorder. Also called: VPS13A-related condition.
Abnormality of the nervous system. Also called: Congenital nervous system disorder. Identifiers: MedGen C0497552, MONDO:0002320, HP:0000707.

Allele frequency attached by ClinVar (database versions not stated): gnomAD exomes below 0.00001.
gnomAD v4.1: 4 of 1,580,658 alleles (0.00025%); highest among the groups gnomAD compares: Non-Finnish European, 0.00034%; no homozygotes.

Submissions (4):

Blueprint Genetics
Classification: Likely pathogenic for VPS13A-related disorders. Last evaluated: 2024-11-14. Review status: criteria provided, single submitter. Criteria: ACMG Guidelines, 2015. Collection method: clinical testing. Allele origin: germline. Affected: yes. Observed: 3 variant alleles.

Labcorp Genetics (formerly Invitae), Labcorp
Classification: Pathogenic. Last evaluated: 2023-08-22. Review status: criteria provided, single submitter. Criteria: Invitae Variant Classification Sherloc (09022015). Collection method: clinical testing. Allele origin: germline.
Comment: For these reasons, this variant has been classified as Pathogenic. Algorithms developed to predict the effect of sequence changes on RNA splicing suggest that this variant may disrupt the consensus splice site. ClinVar contains an entry for this variant (Variation ID: 426835). This variant is also known as c.4856+1G>A. Disruption of this splice site has been observed in individuals with chorea-acanthocytosis (PMID: 12404112, 31543803). This variant is not present in population databases (gnomAD no frequency). This sequence change affects a donor splice site in intron 40 of the VPS13A gene. It is expected to disrupt RNA splicing. Variants that disrupt the donor or acceptor splice site typically lead to a loss of protein function (PMID: 16199547), and loss-of-function variants in VPS13A are known to be pathogenic (PMID: 12404112, 21598378).

Kariminejad - Najmabadi Pathology & Genetics Center
Classification: Likely pathogenic for Abnormality of the nervous system. Last evaluated: 2021-07-10. Review status: criteria provided, single submitter. Criteria: ACMG Guidelines, 2015. Collection method: clinical testing. Allele origin: germline. Affected: yes.

GeneDx
Classification: Pathogenic. Last evaluated: 2017-03-31. Review status: criteria provided, single submitter. Criteria: GeneDx Variant Classification (06012015). Collection method: clinical testing. Allele origin: germline. Affected: yes.
Comment: The c.4956+1G>A variant in the VPS13A gene has not been reported previously as a pathogenic variant nor as a benign variant, to our knowledge. However, a pathogenic variant at the same splice site resulting from a different nucleotide change (c.4956+1G>T) has been reported in an individual with choreoacanthocytosis who also harbored a second pathogenic variant in the VPS13A gene (phase unknown) (Dobson-Stone et al., 2002). The c.4956+1G>A variant destroys the canonical splice donor site in intron 40, which is predicted to cause abnormal gene splicing. The c.4956+1G>A variant is not observed in large population cohorts (Lek et al., 2016; 1000 Genomes Consortium et al., 2015; Exome Variant Server). We interpret c.4956+1G>A as a pathogenic variant.

Literature cited by the submitters: PubMed 12404112 (cited by Labcorp Genetics (formerly Invitae), Labcorp); PubMed 31543803 (cited by Labcorp Genetics (formerly Invitae), Labcorp); PubMed 16199547 (cited by Labcorp Genetics (formerly Invitae), Labcorp); PubMed 21598378 (cited by Labcorp Genetics (formerly Invitae), Labcorp).

NM_033305.3(VPS13A):c.4956+1G>A

Gene: VPS13A (vacuolar protein sorting 13 homolog A; plus strand). Cytogenetic location: 9q21.2.
Variant type: single nucleotide variant.
Coding change: c.4956+1G>A on transcript NM_033305.3 (MANE Select); the canonical splice donor site of the intron after coding-DNA position 4956, G replaced by A.
Molecular consequence: splice donor variant.
Genome position (GRCh38, 1-based): chr9:77,317,699, G>A. VCF-style: chr9-77317699-G-A. GRCh37 (hg19) VCF-style: chr9-79932615-G-A.
Other names: c.4839+1G>A (NM_001018037.2); c.4956+1G>A (NM_015186.4, NM_001018038.3).
Identifiers: ClinVar variation 426835 (VCV000426835.27), dbSNP rs1085307823, ClinGen allele CA373858734.